The following is an entry in ClinVar:

ClinVar aggregate classification (germline): Uncertain significance. Review status: criteria provided, multiple submitters, no conflicts (2 of 4 stars). 2 submissions from 2 submitters: Uncertain significance (2). Last evaluated 2025-10-29.

Conditions:
Complex neurodevelopmental disorder. Identifiers: Orphanet 528084, MedGen C5568766, MONDO:0100038.
Inborn genetic diseases. Identifiers: MedGen C0950123, MeSH D030342.

gnomAD v4.1: 17 of 1,512,514 alleles (0.0011%); highest among the groups gnomAD compares: Middle Eastern, 0.017%; no homozygotes.

Submissions (2):

Dasa
Classification: Uncertain significance for Complex neurodevelopmental disorder. Last evaluated: 2025-10-29. Review status: criteria provided, single submitter. Criteria: DASA Assertion Criteria. Collection method: clinical testing. Allele origin: germline.
Comment: NM_001353345.2(SETD1B):c.4472G>A (p.Arg1491Gln) is a missense variant that results in the substitution of arginine with glutamine. This variant is rare in population databases. Computational prediction algorithms are consistent with a benign effect. The currently available literature and clinical evidence are not sufficient to establish a definitive association between this variant and the reported condition. Therefore, this variant is classified as a variant of uncertain significance.

Ambry Genetics
Classification: Uncertain significance for Inborn genetic diseases. Last evaluated: 2025-04-01. Review status: criteria provided, single submitter. Criteria: Ambry Variant Classification Scheme 2023. Collection method: clinical testing. Allele origin: germline.

NM_001353345.2(SETD1B):c.4472G>A (p.Arg1491Gln)

Gene: SETD1B (SET domain containing 1B, histone lysine methyltransferase; plus strand). Cytogenetic location: 12q24.31.
Variant type: single nucleotide variant.
Coding change: c.4472G>A on transcript NM_001353345.2 (MANE Select); coding-DNA position 4472, G replaced by A.
Protein change: p.Arg1491Gln; replaces arginine 1491 with glutamine.
Molecular consequence: missense variant.
Genome position (GRCh38, 1-based): chr12:121,823,051, G>A. VCF-style: chr12-121823051-G-A. GRCh37 (hg19) VCF-style: chr12-122260957-G-A.
Other names: NM_015048.1:c.4343G>A; short protein forms R1491Q.
Identifiers: ClinVar variation 3952815 (VCV003952815.3).